The following is an entry in ClinVar:

NM_002894.3(RBBP8):c.1939+12A>G

Gene: RBBP8 (RB binding protein 8, endonuclease; plus strand). Cytogenetic location: 18q11.2.
Variant type: single nucleotide variant.
Coding change: c.1939+12A>G on transcript NM_002894.3 (MANE Select); 12 bases into the intron after coding-DNA position 1939, A replaced by G.
Molecular consequence: intron variant.
Genome position (GRCh38, 1-based): chr18:22,993,859, A>G. VCF-style: chr18-22993859-A-G. GRCh37 (hg19) VCF-style: chr18-20573822-A-G.
Other names: c.1939+12A>G (NM_203292.2, NM_203291.2).
Identifiers: ClinVar variation 326230 (VCV000326230.10), dbSNP rs60178443, ClinGen allele CA8910172.

ClinVar aggregate classification (germline): Benign. Review status: criteria provided, multiple submitters, no conflicts (2 of 4 stars). 3 submissions from 3 submitters: Benign (3). Last evaluated 2026-02-01.

Allele frequency attached by ClinVar (database versions not stated): gnomAD exomes 0.00574; ExAC 0.00689; gnomAD 0.01891 and 0.01998; ESP Exome Variant Server 0.02030; TOPMed 0.02042; 1000 Genomes Project 0.02137; 1000 Genomes Project 30x 0.02171.
gnomAD v4.1: 6,669 of 1,609,718 alleles (0.41%); highest among the groups gnomAD compares: African/African-American, 6.3%; 168 homozygotes.

Submissions (3):

Labcorp Genetics (formerly Invitae), Labcorp
Classification: Benign. Last evaluated: 2026-02-01. Review status: criteria provided, single submitter. Criteria: Invitae Variant Classification Sherloc (09022015). Collection method: clinical testing. Allele origin: germline.

GeneDx
Classification: Benign. Last evaluated: 2015-10-30. Review status: criteria provided, single submitter. Criteria: GeneDx Variant Classification (06012015). Collection method: clinical testing. Allele origin: germline. Affected: yes.
Comment: This variant is considered likely benign or benign based on one or more of the following criteria: it is a conservative change, it occurs at a poorly conserved position in the protein, it is predicted to be benign by multiple in silico algorithms, and/or has population frequency not consistent with disease.

Breakthrough Genomics
Classification: Benign. Review status: criteria provided, single submitter. Criteria: ACMG Guidelines, 2015. Collection method: not provided. Allele origin: germline. Inheritance: Autosomal recessive inheritance. Affected: yes.